The following is an entry in ClinVar:

ClinVar aggregate classification (germline): Uncertain significance (1 of 4 stars; one submission).

Allele frequency attached by ClinVar (database versions not stated): gnomAD 0.00001; gnomAD exomes 0.00001.
gnomAD v4.1: 17 of 1,535,354 alleles (0.0011%); highest among the groups gnomAD compares: Non-Finnish European, 0.0015%; no homozygotes.

Submission:

Labcorp Genetics (formerly Invitae), Labcorp
Classification: Uncertain significance. Last evaluated: 2022-07-26. Review status: criteria provided, single submitter. Criteria: Invitae Variant Classification Sherloc (09022015). Collection method: clinical testing. Allele origin: germline.
Comment: This sequence change replaces glutamic acid, which is acidic and polar, with glycine, which is neutral and non-polar, at codon 1104 of the COL18A1 protein (p.Glu1104Gly). This variant is not present in population databases (gnomAD no frequency). This variant has not been reported in the literature in individuals affected with COL18A1-related conditions. Experimental studies and prediction algorithms are not available or were not evaluated, and the functional significance of this variant is currently unknown. In summary, the available evidence is currently insufficient to determine the role of this variant in disease. Therefore, it has been classified as a Variant of Uncertain Significance.

NM_001379500.1(COL18A1):c.3320A>G (p.Glu1107Gly)

Genes: COL18A1 (collagen type XVIII alpha 1 chain; plus strand), SLC19A1 (solute carrier family 19 member 1; minus strand). Cytogenetic location: 21q22.3.
Variant type: single nucleotide variant.
Coding change: c.3320A>G on transcript NM_001379500.1 (MANE Select); coding-DNA position 3320, A replaced by G.
Protein change: p.Glu1107Gly; replaces glutamic acid 1107 with glycine.
Molecular consequence: missense variant.
Genome position (GRCh38, 1-based): chr21:45,509,426, A>G. VCF-style: chr21-45509426-A-G. GRCh37 (hg19) VCF-style: chr21-46929340-A-G.
Other names: c.3851A>G, p.Glu1284Gly (NM_030582.4); c.4556A>G, p.Glu1519Gly (NM_130444.3); short protein forms E1519G, E1107G, E1284G.
Identifiers: ClinVar variation 2112479 (VCV002112479.4), dbSNP rs1733305892, ClinGen allele CA410500732.
Genomic context (GRCh38, chr21:45,509,426, plus strand): 5'-TGGCCGCCTTGCAGCCCCCCGTGGTGCAGCTGCACGACAGCAACCCCTACCCGCGGCGGG[A>G]GCACCCCCACCCCACCGCGCGGCCCTGGCGGGCAGATGACATCCTGGCCAGCCCCCCTCG-3'
Protein context (NP_001366429.1, residues 1097-1117): LHDSNPYPRR[Glu1107Gly]HPHPTARPWR